The following is an entry in ClinVar:

ClinVar aggregate classification (germline): Uncertain significance. Review status: criteria provided, multiple submitters, no conflicts (2 of 4 stars). 5 submissions from 5 submitters: Uncertain significance (3). 2 of the submissions do not count toward it. Last evaluated 2022-04-15.

Conditions:
Distal myopathy with posterior leg and anterior hand involvement. Also called: WILLIAMS DISTAL MYOPATHY. Identifiers: Orphanet 63273, MedGen C3279722, MONDO:0013550, OMIM 614065.
Hypertrophic cardiomyopathy 26. Also called: Cardiomyopathy, familial hypertrophic, 26. Identifiers: Orphanet 75249, MedGen C4310749, MONDO:0014883, OMIM 617047.
Myofibrillar myopathy 5. Also called: Filaminopathy (type); FILAMINOPATHY, AUTOSOMAL DOMINANT. Identifiers: Orphanet 171445, MedGen C1836050, MONDO:0012289, OMIM 609524.

Allele frequency attached by ClinVar (database versions not stated): gnomAD exomes below 0.00001 and 0.00001; TOPMed below 0.00001; gnomAD 0.00001.
gnomAD v4.1: 6 of 1,614,070 alleles (0.00037%); highest among the groups gnomAD compares: Admixed American, 0.0017%; no homozygotes.

Submissions (5):

Labcorp Genetics (formerly Invitae), Labcorp
Classification: Uncertain significance for Distal myopathy with posterior leg and anterior hand involvement; Myofibrillar myopathy 5; Hypertrophic cardiomyopathy 26. Last evaluated: 2022-04-15. Review status: criteria provided, single submitter. Criteria: Invitae Variant Classification Sherloc (09022015). Collection method: clinical testing. Allele origin: germline.
Comment: This variant is present in population databases (no rsID available, gnomAD 0.003%). This variant has not been reported in the literature in individuals affected with FLNC-related conditions. ClinVar contains an entry for this variant (Variation ID: 1284495). Algorithms developed to predict the effect of missense changes on protein structure and function (SIFT, PolyPhen-2, Align-GVGD) all suggest that this variant is likely to be tolerated. In summary, the available evidence is currently insufficient to determine the role of this variant in disease. Therefore, it has been classified as a Variant of Uncertain Significance. This sequence change replaces glutamic acid, which is acidic and polar, with lysine, which is basic and polar, at codon 689 of the FLNC protein (p.Glu689Lys).

CeGaT Center for Human Genetics Tuebingen
Classification: Uncertain significance. Last evaluated: 2022-01-01. Review status: criteria provided, single submitter. Criteria: CeGaT Center For Human Genetics Tuebingen Variant Classification Criteria Version 2. Collection method: clinical testing. Allele origin: germline. Affected: yes. Observed: 1 variant allele.

Fulgent Genetics
Classification: Uncertain significance for Myofibrillar myopathy 5; Distal myopathy with posterior leg and anterior hand involvement; Hypertrophic cardiomyopathy 26. Last evaluated: 2021-12-03. Review status: criteria provided, single submitter. Criteria: ACMG Guidelines, 2015. Collection method: clinical testing. Allele origin: unknown.

Clinical Genetics, Academic Medical Center
Classification: Uncertain significance. Review status: no assertion criteria provided. Collection method: clinical testing. Allele origin: germline. Affected: yes. Study: VKGL Data-share Consensus. Not counted in ClinVar's aggregate classification.

Joint Genome Diagnostic Labs from Nijmegen and Maastricht, Radboudumc and MUMC+
Classification: Uncertain significance. Review status: no assertion criteria provided. Collection method: clinical testing. Allele origin: germline. Affected: yes. Study: VKGL Data-share Consensus. Not counted in ClinVar's aggregate classification.

NM_001458.5(FLNC):c.2065G>A (p.Glu689Lys)

Gene: FLNC (filamin C; plus strand). Cytogenetic location: 7q32.1.
Variant type: single nucleotide variant.
Coding change: c.2065G>A on transcript NM_001458.5 (MANE Select); coding-DNA position 2065, G replaced by A.
Protein change: p.Glu689Lys; replaces glutamic acid 689 with lysine.
Molecular consequence: missense variant.
Genome position (GRCh38, 1-based): chr7:128,841,511, G>A. VCF-style: chr7-128841511-G-A. GRCh37 (hg19) VCF-style: chr7-128481565-G-A.
Other names: c.2065G>A, p.Glu689Lys (NM_001127487.2); short protein forms E689K.
Identifiers: ClinVar variation 1284495 (VCV001284495.43), dbSNP rs1446694237, ClinGen allele CA369227913.
Genomic context (GRCh38, chr7:128,841,511, plus strand): 5'-CAGGTGAAGGCCTTTGGGCCTGGCCTGGAGCCTACCGGCTGCATCGTGGACAAGCCCGCT[G>A]AGTTCACCATTGATGCTCGTGCAGCTGGCAAGGGAGACCTGAAGCTCTATGCCCAGGTAG-3'
Protein context (NP_001449.3, residues 679-699): PTGCIVDKPA[Glu689Lys]FTIDARAAGK